The following is an entry in ClinVar:

NM_004525.3(LRP2):c.2932A>C (p.Thr978Pro)

Gene: LRP2 (LDL receptor related protein 2; minus strand). Cytogenetic location: 2q31.1.
Variant type: single nucleotide variant.
Coding change: c.2932A>C on transcript NM_004525.3 (MANE Select); coding-DNA position 2932, A replaced by C.
Protein change: p.Thr978Pro; replaces threonine 978 with proline.
Molecular consequence: missense variant.
Genome position (GRCh38, 1-based): chr2:169,246,963, T>G on the plus strand (A>C on the coding strand, the complement: LRP2 is on the minus strand). VCF-style: chr2-169246963-T-G. GRCh37 (hg19) VCF-style: chr2-170103473-T-G.
Other names: short protein forms T978P.
Identifiers: ClinVar variation 2015844 (VCV002015844.4), dbSNP rs1690032237, ClinGen allele CA349153716.

ClinVar aggregate classification (germline): Uncertain significance (1 of 4 stars; one submission).

Submission:

Labcorp Genetics (formerly Invitae), Labcorp
Classification: Uncertain significance. Last evaluated: 2022-07-10. Review status: criteria provided, single submitter. Criteria: Invitae Variant Classification Sherloc (09022015). Collection method: clinical testing. Allele origin: germline.
Comment: In summary, the available evidence is currently insufficient to determine the role of this variant in disease. Therefore, it has been classified as a Variant of Uncertain Significance. Advanced modeling of protein sequence and biophysical properties (such as structural, functional, and spatial information, amino acid conservation, physicochemical variation, residue mobility, and thermodynamic stability) performed at Invitae indicates that this missense variant is expected to disrupt LRP2 protein function. This variant has not been reported in the literature in individuals affected with LRP2-related conditions. This variant is not present in population databases (gnomAD no frequency). This sequence change replaces threonine, which is neutral and polar, with proline, which is neutral and non-polar, at codon 978 of the LRP2 protein (p.Thr978Pro).